The following is an entry in ClinVar:

NM_001261826.3(AP3D1):c.1591G>A (p.Ala531Thr)

Gene: AP3D1 (adaptor related protein complex 3 subunit delta 1; minus strand). Cytogenetic location: 19p13.3.
Variant type: single nucleotide variant.
Coding change: c.1591G>A on transcript NM_001261826.3 (MANE Select); coding-DNA position 1591, G replaced by A.
Protein change: p.Ala531Thr; replaces alanine 531 with threonine.
Molecular consequence: missense variant.
Genome position (GRCh38, 1-based): chr19:2,118,723, C>T on the plus strand (G>A on the coding strand, the complement: AP3D1 is on the minus strand). VCF-style: chr19-2118723-C-T. GRCh37 (hg19) VCF-style: chr19-2118722-C-T.
Other names: c.1591G>A, p.Ala531Thr (NM_001374799.1, NM_003938.8); short protein forms A531T.
Identifiers: ClinVar variation 2902171 (VCV002902171.3), dbSNP rs758018772, ClinGen allele CA9059270.

ClinVar aggregate classification (germline): Uncertain significance (1 of 4 stars; one submission).

Allele frequency attached by ClinVar (database versions not stated): gnomAD 0.00001; ExAC 0.00002; TOPMed 0.00002.
gnomAD v4.1: 15 of 1,613,540 alleles (0.00093%); highest among the groups gnomAD compares: Admixed American, 0.018%; no homozygotes.

Submission:

Labcorp Genetics (formerly Invitae), Labcorp
Classification: Uncertain significance. Last evaluated: 2023-01-13. Review status: criteria provided, single submitter. Criteria: Invitae Variant Classification Sherloc (09022015). Collection method: clinical testing. Allele origin: germline.
Comment: In summary, the available evidence is currently insufficient to determine the role of this variant in disease. Therefore, it has been classified as a Variant of Uncertain Significance. Algorithms developed to predict the effect of missense changes on protein structure and function are either unavailable or do not agree on the potential impact of this missense change (SIFT: "Deleterious"; PolyPhen-2: "Benign"; Align-GVGD: "Class C0"). This variant has not been reported in the literature in individuals affected with AP3D1-related conditions. This variant is present in population databases (rs758018772, gnomAD 0.03%). This sequence change replaces alanine, which is neutral and non-polar, with threonine, which is neutral and polar, at codon 531 of the AP3D1 protein (p.Ala531Thr).